The following is an entry in ClinVar:

NM_000110.4(DPYD):c.151-2A>C

Gene: DPYD (dihydropyrimidine dehydrogenase; minus strand). Cytogenetic location: 1p21.3.
Variant type: single nucleotide variant.
Coding change: c.151-2A>C on transcript NM_000110.4 (MANE Select); the canonical splice acceptor site of the intron before coding-DNA position 151, A replaced by C.
Molecular consequence: splice acceptor variant.
Genome position (GRCh38, 1-based): chr1:97,828,198, T>G on the plus strand (A>C on the coding strand, the complement: DPYD is on the minus strand). VCF-style: chr1-97828198-T-G. GRCh37 (hg19) VCF-style: chr1-98293754-T-G.
Other names: c.151-2A>C (NM_001160301.1).
Identifiers: ClinVar variation 1032888 (VCV001032888.1), dbSNP rs1669337684, ClinGen allele CA341379557.

ClinVar aggregate classification (germline): Pathogenic (1 of 4 stars; one submission).

Conditions:
Dihydropyrimidine dehydrogenase deficiency (DPYDD). Also called: Hereditary Thymine-Uraciluria; DPD DEFICIENCY; DPYD DEFICIENCY. Identifiers: Orphanet 1675, MedGen C1959620, MONDO:0010130, OMIM 274270.

Submission:

Baylor Genetics
Classification: Pathogenic for Dihydropyrimidine dehydrogenase deficiency. Last evaluated: 2018-05-17. Review status: criteria provided, single submitter. Criteria: ACMG Guidelines, 2015. Collection method: clinical testing. Allele origin: maternal. Affected: yes.
Comment: This variant was determined to be pathogenic according to ACMG Guidelines, 2015 [PMID:25741868].